The following is an entry in ClinVar:

NM_002528.7(NTHL1):c.512T>C (p.Val171Ala)

Gene: NTHL1 (nth like DNA glycosylase 1; minus strand). Cytogenetic location: 16p13.3.
Variant type: single nucleotide variant.
Coding change: c.512T>C on transcript NM_002528.7 (MANE Select); coding-DNA position 512, T replaced by C.
Protein change: p.Val171Ala; replaces valine 171 with alanine.
Molecular consequence: missense variant. On other transcripts: intron variant (1).
Genome position (GRCh38, 1-based): chr16:2,044,643, A>G on the plus strand (T>C on the coding strand, the complement: NTHL1 is on the minus strand). VCF-style: chr16-2044643-A-G. GRCh37 (hg19) VCF-style: chr16-2094644-A-G.
Other names: c.536T>C (NM_002528.5); c.182T>C, p.Val61Ala (NM_001318194.2); c.355-917T>C (NM_001318193.2); short protein forms V171A, V61A.
Identifiers: ClinVar variation 3660956 (VCV003660956.3).

ClinVar aggregate classification (germline): Uncertain significance. Review status: criteria provided, multiple submitters, no conflicts (2 of 4 stars). 2 submissions from 2 submitters: Uncertain significance (2). Last evaluated 2026-03-12.

Conditions:
Hereditary cancer-predisposing syndrome. Also called: Hereditary Cancer Syndrome; Neoplastic Syndromes, Hereditary; Tumor predisposition; Hereditary neoplastic syndrome. Identifiers: Orphanet 140162, MedGen C0027672, MeSH D009386, MONDO:0015356.

Submissions (2):

Ambry Genetics
Classification: Uncertain significance for Hereditary cancer-predisposing syndrome. Last evaluated: 2026-03-12. Review status: criteria provided, single submitter. Criteria: Ambry Variant Classification Scheme 2023. Collection method: clinical testing. Allele origin: germline.
Comment: The p.V179A variant (also known as c.536T>C), located in coding exon 3 of the NTHL1 gene, results from a T to C substitution at nucleotide position 536. The valine at codon 179 is replaced by alanine, an amino acid with similar properties. This amino acid position is conserved. In addition, this alteration is predicted to be deleterious by in silico analysis. Based on the available evidence, the clinical significance of this variant remains unclear.

Labcorp Genetics (formerly Invitae), Labcorp
Classification: Uncertain significance. Last evaluated: 2024-07-30. Review status: criteria provided, single submitter. Criteria: Invitae Variant Classification Sherloc (09022015). Collection method: clinical testing. Allele origin: germline.
Comment: This sequence change replaces valine, which is neutral and non-polar, with alanine, which is neutral and non-polar, at codon 179 of the NTHL1 protein (p.Val179Ala). This variant is not present in population databases (gnomAD no frequency). This variant has not been reported in the literature in individuals affected with NTHL1-related conditions. An algorithm developed to predict the effect of missense changes on protein structure and function (PolyPhen-2) suggests that this variant is likely to be disruptive. In summary, the available evidence is currently insufficient to determine the role of this variant in disease. Therefore, it has been classified as a Variant of Uncertain Significance.